The following is an entry in ClinVar:

NM_000059.4(BRCA2):c.6464T>G (p.Leu2155Arg)

Gene: BRCA2 (BRCA2 DNA repair associated; plus strand). Cytogenetic location: 13q13.1.
Variant type: single nucleotide variant.
Coding change: c.6464T>G on transcript NM_000059.4 (MANE Select); coding-DNA position 6464, T replaced by G.
Protein change: p.Leu2155Arg; replaces leucine 2155 with arginine.
Molecular consequence: missense variant.
Genome position (GRCh38, 1-based): chr13:32,340,819, T>G. VCF-style: chr13-32340819-T-G. GRCh37 (hg19) VCF-style: chr13-32914956-T-G.
Other names: short protein forms L2155R.
Identifiers: ClinVar variation 1299974 (VCV001299974.10), dbSNP rs2137527830, ClinGen allele CA387789378.
Genomic context (GRCh38, chr13:32,340,819, plus strand): 5'-ACTTAAATGTTGAAGGTGGTTCTTCAGAAAATAATCACTCTATTAAAGTTTCTCCATATC[T>G]CTCTCAATTTCAACAAGACAAACAACAGTTGGTATTAGGAACCAAAGTGTCACTTGTTGA-3'
Protein context (NP_000050.3, residues 2145-2165): NNHSIKVSPY[Leu2155Arg]SQFQQDKQQL

ClinVar aggregate classification (germline): Conflicting classifications of pathogenicity. Review status: criteria provided, conflicting classifications (1 of 4 stars). 5 submissions from 5 submitters: Uncertain significance (2); Likely benign (1). 2 of the submissions do not count toward it. Last evaluated 2025-04-18.

Conditions:
Hereditary cancer-predisposing syndrome. Also called: Tumor predisposition; Hereditary neoplastic syndrome; Neoplastic Syndromes, Hereditary; Hereditary Cancer Syndrome. Identifiers: Orphanet 140162, MedGen C0027672, MeSH D009386, MONDO:0015356.
Hereditary breast ovarian cancer syndrome. Also called: Hereditary breast and ovarian cancer; Hereditary breast and/or ovarian cancer syndrome; Breast and ovarian cancer; Hereditary breast and ovarian cancer syndrome; BRCA1- and BRCA2-Associated Hereditary Breast and Ovarian Cancer; Hereditary breast and ovarian cancer syndrome (HBOC). Identifiers: Orphanet 145, MedGen C0677776, MeSH D061325, MONDO:0003582. Disease mechanism: loss of function.

Allele frequency attached by ClinVar (database versions not stated): gnomAD exomes below 0.00001.
gnomAD v4.1: 1 of 1,589,292 alleles (0.000063%); highest among the groups gnomAD compares: East Asian, 0.0022%; no homozygotes.

Submissions (5):

Labcorp Genetics (formerly Invitae), Labcorp
Classification: Uncertain significance for Hereditary breast ovarian cancer syndrome. Last evaluated: 2025-04-18. Review status: criteria provided, single submitter. Criteria: Invitae Variant Classification Sherloc (09022015). Collection method: clinical testing. Allele origin: germline.
Comment: This sequence change replaces leucine, which is neutral and non-polar, with arginine, which is basic and polar, at codon 2155 of the BRCA2 protein (p.Leu2155Arg). This variant is not present in population databases (gnomAD no frequency). This variant has not been reported in the literature in individuals affected with BRCA2-related conditions. ClinVar contains an entry for this variant (Variation ID: 1299974). Invitae Evidence Modeling of protein sequence and biophysical properties (such as structural, functional, and spatial information, amino acid conservation, physicochemical variation, residue mobility, and thermodynamic stability) indicates that this missense variant is not expected to disrupt BRCA2 protein function with a negative predictive value of 95%. In summary, the available evidence is currently insufficient to determine the role of this variant in disease. Therefore, it has been classified as a Variant of Uncertain Significance.

Color Diagnostics, LLC DBA Color Health
Classification: Uncertain significance for Hereditary cancer-predisposing syndrome. Last evaluated: 2023-10-16. Review status: criteria provided, single submitter. Criteria: ACMG Guidelines, 2015. Collection method: clinical testing. Allele origin: germline.
Comment: This missense variant replaces leucine with arginine at codon 2155 of the BRCA2 protein. Computational prediction suggests that this variant may not impact protein structure and function. To our knowledge, functional studies have not been reported for this variant. This variant has not been reported in individuals affected with BRCA2-related disorders in the literature. This variant has not been identified in the general population by the Genome Aggregation Database (gnomAD). The available evidence is insufficient to determine the role of this variant in disease conclusively. Therefore, this variant is classified as a Variant of Uncertain Significance.

University of Washington Department of Laboratory Medicine, University of Washington
Classification: Likely benign for Hereditary cancer-predisposing syndrome. Last evaluated: 2023-03-23. Review status: criteria provided, single submitter. Criteria: Dines et al. (Genet Med. 2020). Collection method: curation. Allele origin: germline.
Comment: Missense variant in a coldspot region where missense variants are very unlikely to be pathogenic (PMID:31911673).

BRCA2 exon 11 coldspot. Reclassification based on statistical prior probability.

Clinical Genetics DNA and cytogenetics Diagnostics Lab, Erasmus MC, Erasmus Medical Center
Classification: Likely benign. Review status: no assertion criteria provided. Collection method: clinical testing. Allele origin: germline. Affected: yes. Study: VKGL Data-share Consensus. Not counted in ClinVar's aggregate classification.

Joint Genome Diagnostic Labs from Nijmegen and Maastricht, Radboudumc and MUMC+
Classification: Likely benign. Review status: no assertion criteria provided. Collection method: clinical testing. Allele origin: germline. Affected: yes. Study: VKGL Data-share Consensus. Not counted in ClinVar's aggregate classification.